The following is an entry in ClinVar:

ClinVar aggregate classification (germline): Uncertain significance (1 of 4 stars; one submission).

Conditions:
Ptosis. Also called: Ptosis (disease). Identifiers: MedGen C0005745, MONDO:0000728, HP:0000508.

Allele frequency attached by ClinVar (database versions not stated): gnomAD 0.00001; gnomAD exomes 0.00001.
gnomAD v4.1: 4 of 766,536 alleles (0.00052%); highest among the groups gnomAD compares: South Asian, 0.0063%; no homozygotes.

Submission:

Broad Center for Mendelian Genomics, Broad Institute of MIT and Harvard
Classification: Uncertain significance for Ptosis. Last evaluated: 2024-03-13. Review status: criteria provided, single submitter. Criteria: ACMG Guidelines, 2015. Collection method: curation. Allele origin: germline. Inheritance: Autosomal dominant inheritance.
Comment: The c.12+147G>C variant in TUBA4A has not been previously reported in individuals with amyotrophic lateral sclerosis 22 with or without frontotemporal dementia. This variant was absent from large population studies. Computational prediction tools and conservation analyses do not provide strong support for or against an impact to the protein. In summary, the clinical significance of the c.12+147G>C variant is uncertain. ACMG/AMP Criteria applied: PM2_Supporting (Richards 2015).

Literature cited by the submitters: PubMed 39033378.

NM_006000.3(TUBA4A):c.3+290C>G

Genes: TUBA4A (tubulin alpha 4a; minus strand), TUBA4B (tubulin alpha 4b; plus strand). Cytogenetic location: 2q35.
Variant type: single nucleotide variant.
Coding change: c.3+290C>G on transcript NM_006000.3 (MANE Select); 290 bases into the intron after coding-DNA position 3, C replaced by G.
Molecular consequence: intron variant.
Genome position (GRCh38, 1-based): chr2:219,253,566, G>C on the plus strand (C>G on the coding strand, the complement: TUBA4A is on the minus strand). VCF-style: chr2-219253566-G-C. GRCh37 (hg19) VCF-style: chr2-220118288-G-C.
Other names: NM_001278552.2:c.-43+529C>G; c.-43+529C>G (NM_001278552.2); c.12+147G>C (NM_001355221.1).
Identifiers: ClinVar variation 3061822 (VCV003061822.1), dbSNP rs1951684727, ClinGen allele CA1329132404.